The following is an entry in ClinVar:

ClinVar aggregate classification (germline): Benign/Likely benign. Review status: criteria provided, multiple submitters, no conflicts (2 of 4 stars). 5 submissions from 5 submitters: Benign (2); Likely benign (3). Last evaluated 2026-05-01.

Allele frequency attached by ClinVar (database versions not stated): 1000 Genomes Project 0.00100; 1000 Genomes Project 30x 0.00109; gnomAD exomes 0.00246 and 0.00363; ExAC 0.00262; TOPMed 0.00292; gnomAD 0.00293; ESP Exome Variant Server 0.00425.
gnomAD v4.1: 5,665 of 1,613,598 alleles (0.35%); highest among the groups gnomAD compares: Non-Finnish European, 0.43%; 14 homozygotes.

Submissions (5):

CeGaT Center for Human Genetics Tuebingen
Classification: Likely benign. Last evaluated: 2026-05-01. Review status: criteria provided, single submitter. Criteria: CeGaT Center For Human Genetics Tuebingen Variant Classification Criteria Version 2. Collection method: clinical testing. Allele origin: germline. Affected: yes. Observed: 14 variant alleles.
Comment: CCDC88C: BP4, BS2

Labcorp Genetics (formerly Invitae), Labcorp
Classification: Benign. Last evaluated: 2026-01-28. Review status: criteria provided, single submitter. Criteria: Invitae Variant Classification Sherloc (09022015). Collection method: clinical testing. Allele origin: germline.

Mayo Clinic Laboratories, Mayo Clinic
Classification: Benign. Last evaluated: 2023-07-06. Review status: criteria provided, single submitter. Criteria: ACMG Guidelines, 2015. Collection method: clinical testing. Allele origin: germline. Observed: 4 variant alleles.
Comment: BS1, BS2, BP4, BP7

Athena Diagnostics
Classification: Likely benign. Last evaluated: 2016-06-22. Review status: criteria provided, single submitter. Criteria: Athena Diagnostics Criteria. Collection method: clinical testing. Allele origin: germline.

Breakthrough Genomics
Classification: Likely benign. Review status: criteria provided, single submitter. Criteria: ACMG Guidelines, 2015. Collection method: not provided. Allele origin: germline. Inheritance: Autosomal recessive inheritance. Affected: yes.

NM_001080414.4(CCDC88C):c.766C>T (p.Leu256=)

Gene: CCDC88C (coiled-coil and HOOK domain protein 88C; minus strand). Cytogenetic location: 14q32.11.
Variant type: single nucleotide variant.
Coding change: c.766C>T on transcript NM_001080414.4 (MANE Select); coding-DNA position 766, C replaced by T.
Protein change: p.Leu256=; no amino-acid change (leucine 256 retained).
Molecular consequence: synonymous variant.
Genome position (GRCh38, 1-based): chr14:91,339,321, G>A on the plus strand (C>T on the coding strand, the complement: CCDC88C is on the minus strand). VCF-style: chr14-91339321-G-A. GRCh37 (hg19) VCF-style: chr14-91805665-G-A.
Other names: p.Leu256=.
Identifiers: ClinVar variation 447026 (VCV000447026.52), dbSNP rs183742506, ClinGen allele CA7310123.